The following is an entry in ClinVar:

NM_018557.3(LRP1B):c.10194A>G (p.Ser3398=)

Gene: LRP1B (LDL receptor related protein 1B; minus strand). Cytogenetic location: 2q22.1.
Variant type: single nucleotide variant.
Coding change: c.10194A>G on transcript NM_018557.3 (MANE Select); coding-DNA position 10194, A replaced by G.
Protein change: p.Ser3398=; no amino-acid change (serine 3398 retained).
Molecular consequence: synonymous variant.
Genome position (GRCh38, 1-based): chr2:140,444,430, T>C on the plus strand (A>G on the coding strand, the complement: LRP1B is on the minus strand). VCF-style: chr2-140444430-T-C. GRCh37 (hg19) VCF-style: chr2-141201999-T-C.
Identifiers: ClinVar variation 2651384 (VCV002651384.24), dbSNP rs2467733075, ClinGen allele CA428891977.
Genomic context (GRCh38, chr2:140,444,430, plus strand): 5'-CCCATTACATCTTAAGTTTACTGGGATACATTTCTGGTTCTTGGTACATTTGAATTGACC[T>C]GACAGGCAGACATGTGTGTCTAGAACATAGAAGGAGAGAGAGAGAGAAAATTTGTGTCTG-3'
Protein context (NP_061027.2, residues 3388-3408): ELNCDTHVCL[Ser3398=]GQFKCTKNQK

ClinVar aggregate classification (germline): Likely benign (1 of 4 stars; one submission).

Submission:

CeGaT Center for Human Genetics Tuebingen
Classification: Likely benign. Last evaluated: 2022-10-01. Review status: criteria provided, single submitter. Criteria: CeGaT Center For Human Genetics Tuebingen Variant Classification Criteria Version 2. Collection method: clinical testing. Allele origin: germline. Affected: yes. Observed: 1 variant allele.
Comment: LRP1B: PM2:Supporting, BP4, BP7